The following is an entry in ClinVar:

NM_212482.4(FN1):c.3323C>T (p.Thr1108Met)

Gene: FN1 (fibronectin 1; minus strand). Cytogenetic location: 2q35.
Variant type: single nucleotide variant.
Coding change: c.3323C>T on transcript NM_212482.4 (MANE Select); coding-DNA position 3323, C replaced by T.
Protein change: p.Thr1108Met; replaces threonine 1108 with methionine.
Molecular consequence: missense variant.
Genome position (GRCh38, 1-based): chr2:215,399,282, G>A on the plus strand (C>T on the coding strand, the complement: FN1 is on the minus strand). VCF-style: chr2-215399282-G-A. GRCh37 (hg19) VCF-style: chr2-216264005-G-A.
Other names: c.3323C>T, p.Thr1108Met (NM_001306129.2, NM_001306130.2, NM_001306131.2 and 13 more transcripts); c.3323C>T (NM_212482.1); short protein forms T1108M.
Identifiers: ClinVar variation 2062805 (VCV002062805.5), dbSNP rs199836710, ClinGen allele CA2094737.
Genomic context (GRCh38, chr2:215,399,282, plus strand): 5'-CTGTATCACAGAGATTAGGAACATCTGCAGTTTACCTTAAAACCAATTCTTGGAGCAGGC[G>A]TCCATGTGATCACAATGGTGGTCTCAGTCACCTCGGTGTTGTAAGGTGGAATAGAGCTCC-3'
Protein context (NP_997647.2, residues 1098-1118): VTETTIVITW[Thr1108Met]PAPRIGFKLG

ClinVar aggregate classification (germline): Uncertain significance. Review status: criteria provided, multiple submitters, no conflicts (2 of 4 stars). 2 submissions from 2 submitters: Uncertain significance (2). Last evaluated 2025-04-17.

Conditions:
Inborn genetic diseases. Identifiers: MedGen C0950123, MeSH D030342.

Allele frequency attached by ClinVar (database versions not stated): TOPMed 0.00004; gnomAD 0.00008; ExAC 0.00010; gnomAD exomes 0.00013; 1000 Genomes Project 30x 0.00016; 1000 Genomes Project 0.00020.

Submissions (2):

Labcorp Genetics (formerly Invitae), Labcorp
Classification: Uncertain significance. Last evaluated: 2025-04-17. Review status: criteria provided, single submitter. Criteria: Invitae Variant Classification Sherloc (09022015). Collection method: clinical testing. Allele origin: germline.
Comment: This sequence change replaces threonine, which is neutral and polar, with methionine, which is neutral and non-polar, at codon 1108 of the FN1 protein (p.Thr1108Met). This variant is present in population databases (rs199836710, gnomAD 0.02%), and has an allele count higher than expected for a pathogenic variant. This variant has not been reported in the literature in individuals affected with FN1-related conditions. ClinVar contains an entry for this variant (Variation ID: 2062805). An algorithm developed to predict the effect of missense changes on protein structure and function (PolyPhen-2) suggests that this variant is likely to be tolerated. In summary, the available evidence is currently insufficient to determine the role of this variant in disease. Therefore, it has been classified as a Variant of Uncertain Significance.

Ambry Genetics
Classification: Uncertain significance for Inborn genetic diseases. Last evaluated: 2024-01-08. Review status: criteria provided, single submitter. Criteria: Ambry Variant Classification Scheme 2023. Collection method: clinical testing. Allele origin: germline.